The following is an entry in ClinVar:

ClinVar aggregate classification (germline): Likely benign (1 of 4 stars; one submission).

Conditions:
Oligodontia-cancer predisposition syndrome. Also called: TOOTH AGENESIS-COLORECTAL CANCER SYNDROME. Identifiers: Orphanet 300576, MedGen C1837750, MONDO:0012075, OMIM 608615. Disease mechanism: loss of function.

Submission:

Myriad Genetics, Inc.
Classification: Likely benign for Oligodontia-cancer predisposition syndrome. Last evaluated: 2024-07-08. Review status: criteria provided, single submitter. Criteria: Myriad Autosomal Dominant, Autosomal Recessive and X-Linked Classification Criteria (2023). Collection method: clinical testing. Allele origin: unknown.
Comment: This variant is considered likely benign. This variant is intronic and is not expected to impact mRNA splicing.

NM_004655.4(AXIN2):c.1713-10T>C

Gene: AXIN2 (axin 2; minus strand). Cytogenetic location: 17q24.1.
Variant type: single nucleotide variant.
Coding change: c.1713-10T>C on transcript NM_004655.4 (MANE Select); 10 bases into the intron before coding-DNA position 1713, T replaced by C.
Molecular consequence: intron variant.
Genome position (GRCh38, 1-based): chr17:65,537,073, A>G on the plus strand (T>C on the coding strand, the complement: AXIN2 is on the minus strand). VCF-style: chr17-65537073-A-G. GRCh37 (hg19) VCF-style: chr17-63533191-A-G.
Other names: c.1712+251T>C (NM_001363813.1).
Identifiers: ClinVar variation 3379016 (VCV003379016.1).